The following is an entry in ClinVar:

NM_007294.4(BRCA1):c.3018_3021del (p.His1006fs)

Gene: BRCA1 (BRCA1 DNA repair associated; minus strand). Cytogenetic location: 17q21.31.
Variant type: Deletion.
Coding change: c.3018_3021del on transcript NM_007294.4 (MANE Select); coding-DNA positions 3018 to 3021, 4 bases deleted (TTCA; older notation c.3018_3021delTTCA).
Protein change: p.His1006fs; shifts the reading frame from histidine 1006.
Molecular consequence: frameshift variant. On other transcripts: intron variant (137).
Genome position (GRCh38, 1-based): chr17:43,092,510-43,092,513, TGAA deleted on the plus strand (TTCA on the coding strand, the reverse complement: BRCA1 is on the minus strand); deleting any 4 consecutive bases within chr17:43,092,510-43,092,515 gives the same sequence; the c. name uses the placement nearest the transcript's 3' end. VCF-style (leftmost placement, unchanged base first): chr17-43092509-TTGAA-T. GRCh37 (hg19) VCF-style: chr17-41244526-TTGAA-T.
Other names: 3137del4; 3137delTTCA; 3135del4; c.3018_3021delTTCA (NM_007294.3); c.2805_2808del, p.His935fs (NM_001407571.1, NM_001407853.1, NM_001407894.1 and 9 more transcripts); c.3018_3021del, p.His1006fs (NM_001407581.1, NM_001407582.1, NM_001407583.1 and 30 more transcripts); c.3015_3018del, p.His1005fs (NM_001407587.1, NM_001407590.1, NM_001407591.1 and 22 more transcripts); c.3009_3012del, p.His1003fs (NM_001407646.1, NM_001407647.1); and 45 more; short protein forms H959fs, H1006fs, H710fs, H838fs, H936fs, H958fs, H965fs, H1005fs.
Identifiers: ClinVar variation 54749 (VCV000054749.50), dbSNP rs80357749, ClinGen allele CA001971.

ClinVar aggregate classification (germline): Pathogenic. Review status: reviewed by expert panel (3 of 4 stars). 21 submissions from 21 submitters: Pathogenic (1). 20 of the submissions do not count toward it. Last evaluated 2016-09-08.

Conditions:
Hereditary cancer-predisposing syndrome. Also called: Hereditary Cancer Syndrome; Tumor predisposition; Neoplastic Syndromes, Hereditary; Hereditary neoplastic syndrome. Identifiers: Orphanet 140162, MedGen C0027672, MeSH D009386, MONDO:0015356.
Breast and/or ovarian cancer. Identifiers: MedGen CN221562.
Hereditary breast ovarian cancer syndrome. Also called: Breast and ovarian cancer; BRCA1- and BRCA2-Associated Hereditary Breast and Ovarian Cancer; Hereditary breast and ovarian cancer; Hereditary breast and ovarian cancer syndrome (HBOC); Hereditary breast and ovarian cancer syndrome; Hereditary breast and/or ovarian cancer syndrome. Identifiers: Orphanet 145, MedGen C0677776, MeSH D061325, MONDO:0003582. Disease mechanism: loss of function.
Ovarian neoplasm. Also called: Ovarian tumor; Ovarian Neoplasms; Neoplasm of ovary. Identifiers: MedGen C0919267, MeSH D010051, MONDO:0021068, HP:0100615.
Breast-ovarian cancer, familial, susceptibility to, 1 (BROVCA1). Also called: BRCA1 Hereditary Breast and Ovarian Cancer; OVARIAN CANCER, SUSCEPTIBILITY TO. Identifiers: Orphanet 145, MedGen C2676676, MONDO:0011450, OMIM 604370. Disease mechanism: loss of function.

Submissions 1 to 11 of 21:

Evidence-based Network for the Interpretation of Germline Mutant Alleles (ENIGMA)
Classification: Pathogenic for Breast-ovarian cancer, familial, susceptibility to, 1. Last evaluated: 2016-09-08. Review status: reviewed by expert panel. Criteria: ENIGMA BRCA1/2 Classification Criteria (2015). Collection method: curation. Allele origin: germline.
Comment: Variant allele predicted to encode a truncated non-functional protein.

ARUP Laboratories, Molecular Genetics and Genomics, ARUP Laboratories
Classification: Pathogenic. Last evaluated: 2025-03-13. Review status: criteria provided, single submitter. Criteria: ARUP Molecular Germline Variant Investigation Process 2024. Collection method: clinical testing. Allele origin: germline. Not counted in ClinVar's aggregate classification.
Comment: The BRCA1 c.3018_3021del; p.His1006GlnfsTer17 variant (rs80357749, ClinVar Variation ID: 54749) is reported in the literature in individuals affected with breast, ovarian, or cervical cancer (Harter 2017, Montero-Macias 2021, Palmero 2018, Wagner 1998). This variant is absent from the Genome Aggregation Database (v2.1.1), indicating it is not a common polymorphism. This variant causes a frameshift by deleting four nucleotides, so it is predicted to result in a truncated protein or mRNA subject to nonsense-mediated decay. Based on available information, this variant is considered to be pathogenic. References: Harter P et al. Prevalence of deleterious germline variants in risk genes including BRCA1/2 in consecutive ovarian cancer patients (AGO-TR-1). PLoS One. 2017 Oct 20;12(10):e0186043. PMID: 29053726. Montero-Macias R et al. Complete pathological response to olaparib and bevacizumab in advanced cervical cancer following chemoradiation in a BRCA1 mutation carrier: a case report. J Med Case Rep. 2021 Apr 23;15(1):210. PMID: 33888155. Palmero EI et al. The germline mutational landscape of BRCA1 and BRCA2 in Brazil. Sci Rep. 2018 Jun 15;8(1):9188. PMID: 29907814. Wagner T et al. BRCA1-related breast cancer in Austrian breast and ovarian cancer families: specific BRCA1 mutations and pathological characteristics. Int J Cancer 1998 77(3):354-60. PMID: 9663595.

Labcorp Genetics (formerly Invitae), Labcorp
Classification: Pathogenic for Hereditary breast ovarian cancer syndrome. Last evaluated: 2025-03-10. Review status: criteria provided, single submitter. Criteria: Invitae Variant Classification Sherloc (09022015). Collection method: clinical testing. Allele origin: germline. Not counted in ClinVar's aggregate classification.
Comment: This sequence change creates a premature translational stop signal (p.His1006Glnfs*17) in the BRCA1 gene. It is expected to result in an absent or disrupted protein product. Loss-of-function variants in BRCA1 are known to be pathogenic (PMID: 20104584). This variant is not present in population databases (gnomAD no frequency). This premature translational stop signal has been observed in individual(s) with clinical features of hereditary breast and ovarian cancer syndrome (PMID: 9663595, 29907814). This variant is also known as 3135del4. ClinVar contains an entry for this variant (Variation ID: 54749). For these reasons, this variant has been classified as Pathogenic.

CeGaT Center for Human Genetics Tuebingen
Classification: Pathogenic. Last evaluated: 2024-06-01. Review status: criteria provided, single submitter. Criteria: CeGaT Center For Human Genetics Tuebingen Variant Classification Criteria Version 2. Collection method: clinical testing. Allele origin: germline. Affected: yes. Observed: 1 variant allele. Not counted in ClinVar's aggregate classification.
Comment: BRCA1: PVS1, PM2, PS4:Moderate

Baylor Genetics
Classification: Pathogenic for Breast-ovarian cancer, familial, susceptibility to, 1. Last evaluated: 2024-03-03. Review status: criteria provided, single submitter. Criteria: ACMG Guidelines, 2015. Collection method: clinical testing. Allele origin: unknown. Not counted in ClinVar's aggregate classification.

Ambry Genetics
Classification: Pathogenic for Hereditary cancer-predisposing syndrome. Last evaluated: 2023-03-23. Review status: criteria provided, single submitter. Criteria: Ambry Variant Classification Scheme 2023. Collection method: clinical testing. Allele origin: germline. Not counted in ClinVar's aggregate classification.
Comment: The c.3018_3021delTTCA pathogenic mutation, located in coding exon 9 of the BRCA1 gene, results from a deletion of 4 nucleotides at nucleotide positions 3018 to 3021, causing a translational frameshift with a predicted alternate stop codon (p.H1006Qfs*17). This mutation has been reported in multiple families affected with hereditary breast and/or ovarian cancer, including those of Austrian and Slovenian ancestry (Wagner TM et al. Int. J. Cancer 1998 Jul;77(3):354-60; Stegel V et al, BMC Med. Genet. 2011 Jan;12:9; Novakovi S et al. Int. J. Oncol. 2012 Nov;41(5):1619-27). In addition to the clinical data presented in the literature, this alteration is expected to result in loss of function by premature protein truncation or nonsense-mediated mRNA decay. As such, this alteration is interpreted as a disease-causing mutation.

Centre for Mendelian Genomics, University Medical Centre Ljubljana
Classification: Pathogenic for Breast-ovarian cancer, familial, susceptibility to, 1. Last evaluated: 2022-12-09. Review status: criteria provided, single submitter. Criteria: ACMG Guidelines, 2015. Collection method: research. Allele origin: germline. Affected: no. Not counted in ClinVar's aggregate classification.
Comment: PVS1, PS4_STR PM2_SUP

Revvity Omics, Revvity
Classification: Pathogenic. Last evaluated: 2022-11-04. Review status: criteria provided, single submitter. Criteria: ACMG Guidelines, 2015. Collection method: clinical testing. Allele origin: germline. Not counted in ClinVar's aggregate classification.

Sema4
Classification: Pathogenic for Hereditary cancer-predisposing syndrome. Last evaluated: 2021-09-23. Review status: criteria provided, single submitter. Criteria: Sema4 Curation Guidelines. Collection method: curation. Allele origin: germline. Not counted in ClinVar's aggregate classification.
Comment: The BRCA1 c.3018_3021delTTCA (p.H1006QfsX17) variant has been reported in several individuals with breast and/or ovarian cancer (PMID: 29907814, 28740454, 28715532, 26014432). This variant causes a frameshift at amino acid 1006 that results in premature termination 17 amino acids downstream. At this location, this is predicted to cause nonsense-mediated decay and result in an absent protein (loss of function). Loss of function variants in BRCA1 are known to be pathogenic (PMID: 29446198). This variant is not reported in the population database Genome Aggregation Database (PMID: 32461654). This variant has been reported in ClinVar (Variation ID: 54749). Based on the current evidence available, this variant is interpreted as pathogenic.

Color Diagnostics, LLC DBA Color Health
Classification: Pathogenic for Hereditary cancer-predisposing syndrome. Last evaluated: 2020-12-30. Review status: criteria provided, single submitter. Criteria: ACMG Guidelines, 2015. Collection method: clinical testing. Allele origin: germline. Not counted in ClinVar's aggregate classification.
Comment: This variant deletes 4 nucleotides in exon 10 of the BRCA1 gene, creating a frameshift and premature translation stop signal. This variant is expected to result in an absent or non-functional protein product. To our knowledge, functional studies have not been reported for this variant. This variant has been observed in multiple individuals and families affected with breast and ovarian cancer (PMID: 9663595, 22923021, 26014432, 28715532, 28740454, 29907814; BIC and UMD databases). This variant has not been identified in the general population by the Genome Aggregation Database (gnomAD). Loss of BRCA1 function is a known mechanism of disease. Based on the available evidence, this variant is classified as Pathogenic.

Department of Molecular Diagnostics, Institute of Oncology Ljubljana
Classification: Pathogenic for Breast-ovarian cancer, familial, susceptibility to, 1. Last evaluated: 2020-04-02. Review status: criteria provided, single submitter. Criteria: ACMG Guidelines, 2015. Collection method: clinical testing. Allele origin: germline. Affected: yes. Not counted in ClinVar's aggregate classification.